The following is an entry in ClinVar:

NM_000348.4(SRD5A2):c.332_333del (p.Leu111fs)

Gene: SRD5A2 (steroid 5 alpha-reductase 2; minus strand). Cytogenetic location: 2p23.1.
Variant type: Deletion.
Coding change: c.332_333del on transcript NM_000348.4 (MANE Select); coding-DNA positions 332 to 333, 2 bases deleted (TC; older notation c.332_333delTC).
Protein change: p.Leu111fs; shifts the reading frame from leucine 111.
Molecular consequence: frameshift variant.
Genome position (GRCh38, 1-based): chr2:31,533,715-31,533,716, GA deleted on the plus strand (TC on the coding strand, the reverse complement: SRD5A2 is on the minus strand); deleting any 2 consecutive bases within chr2:31,533,715-31,533,717 gives the same sequence; the c. name uses the placement nearest the transcript's 3' end. VCF-style (leftmost placement, unchanged base first): chr2-31533714-TGA-T. GRCh37 (hg19) VCF-style: chr2-31758784-TGA-T.
Other names: c.332_333del (NM_000348.3); short protein forms L111fs.
Identifiers: ClinVar variation 3586563 (VCV003586563.4).

ClinVar aggregate classification (germline): Pathogenic/Likely pathogenic. Review status: criteria provided, multiple submitters, no conflicts (2 of 4 stars). 3 submissions from 3 submitters: Pathogenic (2); Likely pathogenic (1). Last evaluated 2024-10-30.

Conditions:
SRD5A2-related disorder. Also called: SRD5A2-related condition.
3-Oxo-5 alpha-steroid delta 4-dehydrogenase deficiency (PPSH). Also called: 46,XY disorder of sex development due to 5-alpha-reductase 2 deficiency; FAMILIAL INCOMPLETE MALE PSEUDOHERMAPHRODITISM, TYPE 2; MALE PSEUDOHERMAPHRODITISM DUE TO 5-ALPHA-REDUCTASE DEFICIENCY; PSEUDOVAGINAL PERINEOSCROTAL HYPOSPADIAS. Identifiers: Orphanet 753, MedGen C0268297, MONDO:0009923, OMIM 264600. Disease mechanism: loss of function.

Submissions (3):

Blueprint Genetics
Classification: Likely pathogenic for SRD5A2-related disorders. Last evaluated: 2024-10-30. Review status: criteria provided, single submitter. Criteria: ACMG Guidelines, 2015. Collection method: clinical testing. Allele origin: germline. Affected: yes. Observed: 3 variant alleles.

Fulgent Genetics
Classification: Pathogenic for 3-Oxo-5 alpha-steroid delta 4-dehydrogenase deficiency. Last evaluated: 2024-06-13. Review status: criteria provided, single submitter. Criteria: ACMG Guidelines, 2015. Collection method: clinical testing. Allele origin: germline.

Labcorp Genetics (formerly Invitae), Labcorp
Classification: Pathogenic for 3-Oxo-5 alpha-steroid delta 4-dehydrogenase deficiency. Last evaluated: 2024-03-16. Review status: criteria provided, single submitter. Criteria: Invitae Variant Classification Sherloc (09022015). Collection method: clinical testing. Allele origin: germline.
Comment: This sequence change creates a premature translational stop signal (p.Leu111Hisfs*24) in the SRD5A2 gene. It is expected to result in an absent or disrupted protein product. Loss-of-function variants in SRD5A2 are known to be pathogenic (PMID: 1406794, 1944596). This variant is not present in population databases (gnomAD no frequency). This premature translational stop signal has been observed in individual(s) with steroid-5 alpha-reductase deficiency (PMID: 1522235). This variant is also known as delTC at nucleotide 359. For these reasons, this variant has been classified as Pathogenic.

Literature cited by the submitters: PubMed 1406794 (cited by Labcorp Genetics (formerly Invitae), Labcorp); PubMed 1944596 (cited by Labcorp Genetics (formerly Invitae), Labcorp); PubMed 1522235 (cited by Labcorp Genetics (formerly Invitae), Labcorp).